The following is an entry in ClinVar:

ClinVar aggregate classification (germline): Uncertain significance (1 of 4 stars; one submission).

Submission:

Labcorp Genetics (formerly Invitae), Labcorp
Classification: Uncertain significance. Last evaluated: 2025-08-12. Review status: criteria provided, single submitter. Criteria: Invitae Variant Classification Sherloc (09022015). Collection method: clinical testing. Allele origin: germline.
Comment: This variant, c.962_976dup, results in the insertion of 5 amino acid(s) of the MNX1 protein (p.Gly321_Ala325dup), but otherwise preserves the integrity of the reading frame. This variant is not present in population databases (gnomAD no frequency). This variant has not been reported in the literature in individuals affected with MNX1-related conditions. ClinVar contains an entry for this variant (Variation ID: 2853803). In summary, the available evidence is currently insufficient to determine the role of this variant in disease. Therefore, it has been classified as a Variant of Uncertain Significance.

NM_005515.4(MNX1):c.962_976dup (p.Ala325_Glu326insGlyLysGlyGlyAla)

Gene: MNX1 (motor neuron and pancreas homeobox 1; minus strand). Cytogenetic location: 7q36.3.
Variant type: Duplication.
Coding change: c.962_976dup on transcript NM_005515.4 (MANE Select); coding-DNA positions 962 to 976, 15 bases duplicated (GGAAGGGCGGCGCGG).
Protein change: p.Ala325_Glu326insGlyLysGlyGlyAla.
Molecular consequence: inframe insertion.
Genome position (GRCh38, 1-based): chr7:157,005,750-157,005,764, CCGCGCCGCCCTTCC duplicated on the plus strand (GGAAGGGCGGCGCGG on the coding strand, the reverse complement: MNX1 is on the minus strand); duplicating any 15 consecutive bases within chr7:157,005,750-157,005,771 gives the same sequence; the c. name uses the placement nearest the transcript's 3' end. VCF-style (leftmost placement, unchanged base first): chr7-157005749-T-TCCGCGCCGCCCTTCC. GRCh37 (hg19) VCF-style: chr7-156798443-T-TCCGCGCCGCCCTTCC.
Other names: c.326_340dup, p.Ala113_Glu114insGlyLysGlyGlyAla (NM_001165255.2).
Identifiers: ClinVar variation 2853803 (VCV002853803.3), dbSNP rs1805584500, ClinGen allele CA1755357474.
Genomic context (GRCh38, chr7:157,005,749, plus strand): 5'-CGTCCGCTGCCCTTGTCTCCGGGCGCTGGCGGCCCCAGCAGCTCCTCGGCTCCCGGCTCC[T>TCCGCGCCGCCCTTCC]CCGCGCCGCCCTTCCCCGCGCCCCCGCCGCCGCCCTTCTGTTTCTCCGCTTCCTGCGCCG-3'